The following is an entry in ClinVar:

NM_006939.4(SOS2):c.3188C>T (p.Pro1063Leu)

Gene: SOS2 (SOS Ras/Rho guanine nucleotide exchange factor 2; minus strand). Cytogenetic location: 14q21.3.
Variant type: single nucleotide variant.
Coding change: c.3188C>T on transcript NM_006939.4 (MANE Select); coding-DNA position 3188, C replaced by T.
Protein change: p.Pro1063Leu; replaces proline 1063 with leucine.
Molecular consequence: missense variant.
Genome position (GRCh38, 1-based): chr14:50,130,650, G>A on the plus strand (C>T on the coding strand, the complement: SOS2 is on the minus strand). VCF-style: chr14-50130650-G-A. GRCh37 (hg19) VCF-style: chr14-50597368-G-A.
Other names: c.3089C>T, p.Pro1030Leu (NM_001411020.1); short protein forms P1030L, P1063L.
Identifiers: ClinVar variation 2563217 (VCV002563217.2), dbSNP rs2502826050, ClinGen allele CA389640806.

ClinVar aggregate classification (germline): Uncertain significance (1 of 4 stars; one submission).

Conditions:
Cardiovascular phenotype. Identifiers: MedGen CN230736.

Submission:

Ambry Genetics
Classification: Uncertain significance for Cardiovascular phenotype. Last evaluated: 2023-05-11. Review status: criteria provided, single submitter. Criteria: Ambry Variant Classification Scheme 2023. Collection method: clinical testing. Allele origin: germline.
Comment: The p.P1063L variant (also known as c.3188C>T), located in coding exon 20 of the SOS2 gene, results from a C to T substitution at nucleotide position 3188. The proline at codon 1063 is replaced by leucine, an amino acid with similar properties. This amino acid position is conserved. In addition, the in silico prediction for this alteration is inconclusive. Since supporting evidence is limited at this time, the clinical significance of this alteration remains unclear.